The following is an entry in ClinVar:

NM_000051.4(ATM):c.1688T>G (p.Met563Arg)

Gene: ATM (ATM serine/threonine kinase; plus strand). Cytogenetic location: 11q22.3.
Variant type: single nucleotide variant.
Coding change: c.1688T>G on transcript NM_000051.4 (MANE Select); coding-DNA position 1688, T replaced by G.
Protein change: p.Met563Arg; replaces methionine 563 with arginine.
Molecular consequence: missense variant.
Genome position (GRCh38, 1-based): chr11:108,251,917, T>G. VCF-style: chr11-108251917-T-G. GRCh37 (hg19) VCF-style: chr11-108122644-T-G.
Other names: c.1688T>G, p.Met563Arg (NM_001351834.2); short protein forms M563R.
Identifiers: ClinVar variation 219767 (VCV000219767.33), dbSNP rs750815208, ClinGen allele CA349901.
Genomic context (GRCh38, chr11:108,251,917, plus strand): 5'-CTTTGGCACTGACCACCAGTATAGTTCCAGGAACGGTAAAAATGGGAATAGAGCAAAATA[T>G]GTGTGAAGTAAATAGAAGCTTTTCTTTAAAGGAATCAATAATGAAATGGCTCTTATTCTA-3'
Protein context (NP_000042.3, residues 553-573): GTVKMGIEQN[Met563Arg]CEVNRSFSLK

ClinVar aggregate classification (germline): Conflicting classifications of pathogenicity. Review status: criteria provided, conflicting classifications (1 of 4 stars). 8 submissions from 8 submitters: Uncertain significance (6); Likely benign (1). 1 of the submissions does not count toward it. Last evaluated 2025-12-20.

Conditions:
Hereditary cancer-predisposing syndrome. Also called: Hereditary Cancer Syndrome; Tumor predisposition; Hereditary neoplastic syndrome; Neoplastic Syndromes, Hereditary. Identifiers: Orphanet 140162, MedGen C0027672, MeSH D009386, MONDO:0015356.
Ataxia-telangiectasia syndrome (AT). Also called: AT, COMPLEMENTATION GROUP C; Ataxia-telangiectasia, complementation group E; LOUIS-BAR SYNDROME; Ataxia-telangiectasia, complementation group D; ATAXIA-TELANGIECTASIA, COMPLEMENTATION GROUP A; ATAXIA-TELANGIECTASIA, FRESNO VARIANT. Identifiers: Orphanet 100, MedGen C0004135, MONDO:0008840, OMIM 208900.
Familial cancer of breast. Also called: Hereditary breast cancer; BREAST CANCER, FAMILIAL; hereditary breast carcinoma. Identifiers: Orphanet 227535, MedGen C0346153, MONDO:0016419, OMIM 114480. Disease mechanism: loss of function.

Allele frequency attached by ClinVar (database versions not stated): TOPMed below 0.00001; ExAC 0.00001; gnomAD 0.00001; gnomAD exomes 0.00001 and below 0.00001.
gnomAD v4.1: 14 of 1,613,826 alleles (0.00087%); highest among the groups gnomAD compares: African/African-American, 0.0013%; no homozygotes.

Submissions (8):

Labcorp Genetics (formerly Invitae), Labcorp
Classification: Uncertain significance for Ataxia-telangiectasia syndrome. Last evaluated: 2025-12-20. Review status: criteria provided, single submitter. Criteria: Invitae Variant Classification Sherloc (09022015). Collection method: clinical testing. Allele origin: germline.
Comment: This sequence change replaces methionine, which is neutral and non-polar, with arginine, which is basic and polar, at codon 563 of the ATM protein (p.Met563Arg). This variant is present in population databases (rs750815208, gnomAD 0.004%). This variant has not been reported in the literature in individuals affected with ATM-related conditions. ClinVar contains an entry for this variant (Variation ID: 219767). Invitae Evidence Modeling of protein sequence and biophysical properties (such as structural, functional, and spatial information, amino acid conservation, physicochemical variation, residue mobility, and thermodynamic stability) indicates that this missense variant is not expected to disrupt ATM protein function with a negative predictive value of 95%. RNA analysis performed to evaluate the impact of this missense change on mRNA splicing indicates it does not significantly alter splicing (internal data). In summary, the available evidence is currently insufficient to determine the role of this variant in disease. Therefore, it has been classified as a Variant of Uncertain Significance.

Ambry Genetics
Classification: Likely benign for Hereditary cancer-predisposing syndrome. Last evaluated: 2025-09-17. Review status: criteria provided, single submitter. Criteria: Ambry Variant Classification Scheme 2023. Collection method: clinical testing. Allele origin: germline.

Molecular Pathology, Peter Maccallum Cancer Centre
Classification: Uncertain significance for Ataxia-telangiectasia syndrome. Last evaluated: 2025-01-10. Review status: criteria provided, single submitter. Criteria: ACMG Guidelines, 2015. Collection method: clinical testing. Allele origin: germline. Inheritance: Autosomal recessive inheritance.

GeneDx
Classification: Uncertain significance. Last evaluated: 2024-11-01. Review status: criteria provided, single submitter. Criteria: GeneDx Variant Classification Process June 2021. Collection method: clinical testing. Allele origin: germline.
Comment: Not observed at significant frequency in large population cohorts (gnomAD); In silico analysis supports that this missense variant does not alter protein structure/function; Observed in an individual with breast cancer (PMID: 28779002); This variant is associated with the following publications: (PMID: 28779002)

Color Diagnostics, LLC DBA Color Health
Classification: Uncertain significance for Hereditary cancer-predisposing syndrome. Last evaluated: 2024-10-29. Review status: criteria provided, single submitter. Criteria: ACMG Guidelines, 2015. Collection method: clinical testing. Allele origin: germline.
Comment: This missense variant replaces methionine with arginine at codon 563 of the ATM protein. Computational prediction suggests that this variant may not impact protein structure and function. To our knowledge, functional studies have not been reported for this variant. This variant has been reported in an individual affected with breast cancer (PMID: 28779002). This variant has been identified in 2/282688 chromosomes in the general population by the Genome Aggregation Database (gnomAD). The available evidence is insufficient to determine the role of this variant in disease conclusively. Therefore, this variant is classified as a Variant of Uncertain Significance.

Fulgent Genetics
Classification: Uncertain significance for Familial cancer of breast; Ataxia-telangiectasia syndrome. Last evaluated: 2024-03-18. Review status: criteria provided, single submitter. Criteria: ACMG Guidelines, 2015. Collection method: clinical testing. Allele origin: germline.

Women's Health and Genetics/Laboratory Corporation of America, LabCorp
Classification: Uncertain significance. Last evaluated: 2022-05-05. Review status: criteria provided, single submitter. Criteria: LabCorp Variant Classification Summary - May 2015. Collection method: clinical testing. Allele origin: germline.

Natera, Inc.
Classification: Uncertain significance for Ataxia-telangiectasia. Last evaluated: 2021-03-12. Review status: no assertion criteria provided. Collection method: clinical testing. Allele origin: germline. Not counted in ClinVar's aggregate classification.

Literature cited by the submitters: PubMed 28779002 (cited by Ambry Genetics and Color Diagnostics, LLC DBA Color Health).